The following is an entry in ClinVar:

NM_058246.4(DNAJB6):c.592G>T (p.Val198Phe)

Gene: DNAJB6 (DnaJ heat shock protein family (Hsp40) member B6; plus strand). Cytogenetic location: 7q36.3.
Variant type: single nucleotide variant.
Coding change: c.592G>T on transcript NM_058246.4 (MANE Select); coding-DNA position 592, G replaced by T.
Protein change: p.Val198Phe; replaces valine 198 with phenylalanine.
Molecular consequence: missense variant. On other transcripts: intron variant (1).
Genome position (GRCh38, 1-based): chr7:157,384,980, G>T. VCF-style: chr7-157384980-G-T. GRCh37 (hg19) VCF-style: chr7-157177674-G-T.
Other names: c.592G>T, p.Val198Phe (NM_005494.3); c.346+17497G>T (NM_001363676.1); short protein forms V198F.
Identifiers: ClinVar variation 4881272 (VCV004881272.2).

ClinVar aggregate classification (germline): Uncertain significance (1 of 4 stars; one submission).

Submission:

Dasa
Classification: Uncertain significance. Last evaluated: 2025-06-25. Review status: criteria provided, single submitter. Criteria: DASA Assertion Criteria. Collection method: clinical testing. Allele origin: germline.
Comment: NM_058246.4(DNAJB6):c.592G>T (p.Val198Phe) is a missense variant that results in the substitution of valine with phenylalanine. This variant is absent from population databases. Computational prediction algorithms are consistent with a benign effect. The currently available literature and clinical evidence are not sufficient to establish a definitive association between this variant and the reported condition. Therefore, this variant is classified as a variant of uncertain significance.